The following is an entry in ClinVar:

NM_000283.4(PDE6B):c.1921-20_1921-3del

Gene: PDE6B (phosphodiesterase 6B; plus strand). Cytogenetic location: 4p16.3.
Variant type: Deletion.
Coding change: c.1921-20_1921-3del on transcript NM_000283.4 (MANE Select); 20 bases into the intron before coding-DNA position 1921 through 3 bases into the intron before coding-DNA position 1921, 18 bases deleted (GCTGGGCATAACCTCCGC).
Molecular consequence: intron variant.
Genome position (GRCh38, 1-based): chr4:663,750-663,767, GCTGGGCATAACCTCCGC deleted; deleting any 18 consecutive bases within chr4:663,747-663,767 gives the same sequence; the c. name uses the placement nearest the transcript's 3' end. VCF-style (leftmost placement, unchanged base first): chr4-663746-ACGCGCTGGGCATAACCTC-A. GRCh37 (hg19) VCF-style: chr4-657535-ACGCGCTGGGCATAACCTC-A.
Other names: NC_000004.11:g.657539_657556del; NP_000274.2:p.?; c.1921-20_1921-3del (NM_001145291.2); c.1084-20_1084-3del (NM_001379246.1, NM_001379247.1, NM_001145292.2 and 1 more transcripts); c.766-20_766-3del (NM_001350155.3).
Identifiers: ClinVar variation 3381813 (VCV003381813.2).

ClinVar aggregate classification (germline): Likely pathogenic (1 of 4 stars; one submission).

Conditions:
Retinal dystrophy. Also called: Inherited retinal dystrophy. Identifiers: Orphanet 71862, MedGen C0854723, MeSH D058499, MONDO:0019118, HP:0000556.

Submission:

Ophthalmic Genetics Group, Institute of Molecular and Clinical Ophthalmology Basel
Classification: Likely pathogenic for Retinal dystrophy. Last evaluated: 2024-05-27. Review status: criteria provided, single submitter. Criteria: ACMG Guidelines, 2015. Collection method: research. Allele origin: germline. Affected: yes. Observed: 10 variant alleles.
Comment: This variant was classified as Likely pathogenic based on ACMG criteria: PM2_mod, PM4_mod, PS3_strong, PP1_sup

Literature cited by the submitters: PubMed 37094557; PubMed 40180963.